The following is an entry in ClinVar:

NM_000785.4(CYP27B1):c.42C>T (p.Arg14=)

Gene: CYP27B1 (cytochrome P450 family 27 subfamily B member 1; minus strand). Cytogenetic location: 12q14.1.
Variant type: single nucleotide variant.
Coding change: c.42C>T on transcript NM_000785.4 (MANE Select); coding-DNA position 42, C replaced by T.
Protein change: p.Arg14=; no amino-acid change (arginine 14 retained).
Molecular consequence: synonymous variant.
Genome position (GRCh38, 1-based): chr12:57,767,000, G>A on the plus strand (C>T on the coding strand, the complement: CYP27B1 is on the minus strand). VCF-style: chr12-57767000-G-A. GRCh37 (hg19) VCF-style: chr12-58160783-G-A.
Other names: c.42C>T (NM_000785.3).
Identifiers: ClinVar variation 2873470 (VCV002873470.4), dbSNP rs758703209, ClinGen allele CA6658560.
Genomic context (GRCh38, chr12:57,767,000, plus strand): 5'-GCGTGCTGAGTGGTACTCTCGGTAGCCTAGGGAGGCGCCCAACTCGGGCGCCCAGCGGAC[G>A]CGATGGAACACTCTGGAGGCGTACTTGAGGGTCTGGGTCATGGTCTGGTTCAGGGTGCTC-3'
Protein context (NP_000776.1, residues 4-24): TLKYASRVFH[Arg14=]VRWAPELGAS

ClinVar aggregate classification (germline): Likely benign. Review status: criteria provided, multiple submitters, no conflicts (2 of 4 stars). 2 submissions from 2 submitters: Likely benign (2). Last evaluated 2025-05-22.

Conditions:
CYP27B1-related disorder. Also called: CYP27B1-related condition.

Allele frequency attached by ClinVar (database versions not stated): ExAC 0.00002.

Submissions (2):

PreventionGenetics, part of Exact Sciences
Classification: Likely benign for CYP27B1-related condition. Last evaluated: 2025-05-22. Review status: criteria provided, single submitter. Criteria: ACMG Guidelines, 2015. Collection method: clinical testing. Allele origin: germline.
Comment: This variant is classified as likely benign based on ACMG/AMP sequence variant interpretation guidelines (Richards et al. 2015 PMID: 25741868, with internal and published modifications).

Labcorp Genetics (formerly Invitae), Labcorp
Classification: Likely benign. Last evaluated: 2024-02-08. Review status: criteria provided, single submitter. Criteria: Invitae Variant Classification Sherloc (09022015). Collection method: clinical testing. Allele origin: germline.